The following is an entry in ClinVar:

ClinVar aggregate classification (germline): Uncertain significance (1 of 4 stars; one submission).

Allele frequency attached by ClinVar (database versions not stated): gnomAD exomes 0.00001.
gnomAD v4.1: 14 of 1,592,898 alleles (0.00088%); highest among the groups gnomAD compares: Middle Eastern, 0.017%; no homozygotes.

Submission:

GeneDx
Classification: Uncertain significance. Last evaluated: 2025-01-09. Review status: criteria provided, single submitter. Criteria: GeneDx Variant Classification Process June 2021. Collection method: clinical testing. Allele origin: germline. Affected: yes.
Comment: Not observed at significant frequency in large population cohorts (gnomAD); In silico analysis supports that this missense variant has a deleterious effect on protein structure/function; Has not been previously published as pathogenic or benign to our knowledge

NM_000540.3(RYR1):c.2834C>T (p.Ala945Val)

Gene: RYR1 (ryanodine receptor 1; plus strand). Cytogenetic location: 19q13.2.
Variant type: single nucleotide variant.
Coding change: c.2834C>T on transcript NM_000540.3 (MANE Select); coding-DNA position 2834, C replaced by T.
Protein change: p.Ala945Val; replaces alanine 945 with valine.
Molecular consequence: missense variant.
Genome position (GRCh38, 1-based): chr19:38,464,686, C>T. VCF-style: chr19-38464686-C-T. GRCh37 (hg19) VCF-style: chr19-38955326-C-T.
Other names: c.2834C>T, p.Ala945Val (NM_001042723.2); c.2834C>T (NM_000540.2); short protein forms A945V.
Identifiers: ClinVar variation 4057041 (VCV004057041.1), dbSNP rs1348251043.